The following is an entry in ClinVar:

NM_017534.6(MYH2):c.2352T>A (p.Asp784Glu)

Genes: MYH2 (myosin heavy chain 2; minus strand), MYHAS (myosin heavy chain gene cluster antisense RNA; plus strand). Cytogenetic location: 17p13.1.
Variant type: single nucleotide variant.
Coding change: c.2352T>A on transcript NM_017534.6 (MANE Select); coding-DNA position 2352, T replaced by A.
Protein change: p.Asp784Glu; replaces aspartic acid 784 with glutamic acid.
Molecular consequence: missense variant.
Genome position (GRCh38, 1-based): chr17:10,533,374, A>T on the plus strand (T>A on the coding strand, the complement: MYH2 is on the minus strand). VCF-style: chr17-10533374-A-T. GRCh37 (hg19) VCF-style: chr17-10436691-A-T.
Other names: c.2352T>A, p.Asp784Glu (NM_001100112.2); short protein forms D784E.
Identifiers: ClinVar variation 2010193 (VCV002010193.4), dbSNP rs1440615223, ClinGen allele CA398148351.

ClinVar aggregate classification (germline): Uncertain significance (1 of 4 stars; one submission).

Conditions:
Myopathy, proximal, and ophthalmoplegia (CMYO6). Also called: CONGENITAL MYOPATHY 6 WITH OPHTHALMOPLEGIA; INCLUSION BODY MYOPATHY 3, AUTOSOMAL DOMINANT; MYOPATHY WITH CONGENITAL JOINT CONTRACTURES, OPHTHALMOPLEGIA, AND RIMMED VACUOLES. Identifiers: Orphanet 363677, Orphanet 79091, MedGen C1854106, MONDO:0011577, OMIM 605637.

gnomAD v4.1: 2 of 1,614,166 alleles (0.00012%); highest among the groups gnomAD compares: Non-Finnish European, 0.00017%; no homozygotes.

Submission:

Labcorp Genetics (formerly Invitae), Labcorp
Classification: Uncertain significance for Myopathy, proximal, and ophthalmoplegia. Last evaluated: 2022-11-08. Review status: criteria provided, single submitter. Criteria: Invitae Variant Classification Sherloc (09022015). Collection method: clinical testing. Allele origin: germline.
Comment: In summary, the available evidence is currently insufficient to determine the role of this variant in disease. Therefore, it has been classified as a Variant of Uncertain Significance. Advanced modeling of protein sequence and biophysical properties (such as structural, functional, and spatial information, amino acid conservation, physicochemical variation, residue mobility, and thermodynamic stability) performed at Invitae indicates that this missense variant is not expected to disrupt MYH2 protein function. This variant has not been reported in the literature in individuals affected with MYH2-related conditions. This variant is not present in population databases (gnomAD no frequency). This sequence change replaces aspartic acid, which is acidic and polar, with glutamic acid, which is acidic and polar, at codon 784 of the MYH2 protein (p.Asp784Glu).